The following is an entry in ClinVar:

ClinVar aggregate classification (germline): Uncertain significance (1 of 4 stars; one submission).

Conditions:
Short-rib thoracic dysplasia 6 with or without polydactyly (SRTD6). Also called: Majewski Syndrome; POLYDACTYLY WITH NEONATAL CHONDRODYSTROPHY, TYPE II; SHORT-RIB THORACIC DYSPLASIA 6 WITH POLYDACTYLY; SHORT-RIB THORACIC DYSPLASIA 6 WITHOUT POLYDACTYLY; SHORT RIB-POLYDACTYLY SYNDROME, TYPE IIA. Identifiers: MedGen C0024507, MONDO:0009894, OMIM 263520.

gnomAD v4.1: 2 of 1,613,440 alleles (0.00012%); highest among the groups gnomAD compares: Non-Finnish European, 0.000085%; no homozygotes.

Submission:

Labcorp Genetics (formerly Invitae), Labcorp
Classification: Uncertain significance for Short-rib thoracic dysplasia 6 with or without polydactyly. Last evaluated: 2025-07-24. Review status: criteria provided, single submitter. Criteria: Invitae Variant Classification Sherloc (09022015). Collection method: clinical testing. Allele origin: germline.
Comment: This sequence change replaces proline, which is neutral and non-polar, with serine, which is neutral and polar, at codon 293 of the NEK1 protein (p.Pro293Ser). This variant is not present in population databases (gnomAD no frequency). This variant has not been reported in the literature in individuals affected with NEK1-related conditions. Invitae Evidence Modeling of protein sequence and biophysical properties (such as structural, functional, and spatial information, amino acid conservation, physicochemical variation, residue mobility, and thermodynamic stability) indicates that this missense variant is not expected to disrupt NEK1 protein function with a negative predictive value of 95%. In summary, the available evidence is currently insufficient to determine the role of this variant in disease. Therefore, it has been classified as a Variant of Uncertain Significance.

NM_001199397.3(NEK1):c.877C>T (p.Pro293Ser)

Gene: NEK1 (NIMA related kinase 1; minus strand). Cytogenetic location: 4q33.
Variant type: single nucleotide variant.
Coding change: c.877C>T on transcript NM_001199397.3 (MANE Select); coding-DNA position 877, C replaced by T.
Protein change: p.Pro293Ser; replaces proline 293 with serine.
Molecular consequence: missense variant. On other transcripts: non-coding transcript variant (2).
Genome position (GRCh38, 1-based): chr4:169,577,071, G>A on the plus strand (C>T on the coding strand, the complement: NEK1 is on the minus strand). VCF-style: chr4-169577071-G-A. GRCh37 (hg19) VCF-style: chr4-170498222-G-A.
Other names: c.877C>T, p.Pro293Ser (NM_001199398.3, NM_001199399.3, NM_001199400.3 and 11 more transcripts); c.256C>T, p.Pro86Ser (NM_001440624.1, NM_001440625.1); short protein forms P293S, P86S.
Identifiers: ClinVar variation 4700487 (VCV004700487.1).
Genomic context (GRCh38, chr4:169,577,071, plus strand): 5'-CGGCAGGCTTTGTAATTTTCTGAGCAGGCATAACAGAAATCGAGTTTTGTCCTGAAGCTG[G>A]TCTTTTAGCTAGATGAAAAGATACAAAGAATTTTGTCTGCAGTTCTTTACATTAACTCTT-3'
Protein context (NP_001186326.1, residues 283-303): FGSQPIPAKR[Pro293Ser]ASGQNSISVM